The following is an entry in ClinVar:

NM_000426.4(LAMA2):c.5260del (p.Lys1753_Val1754insTer)

Gene: LAMA2 (laminin subunit alpha 2; plus strand). Cytogenetic location: 6q22.33.
Variant type: Deletion.
Coding change: c.5260del on transcript NM_000426.4 (MANE Select); coding-DNA position 5260, one base deleted (G; older notation c.5260delG).
Protein change: p.Lys1753_Val1754insTer.
Molecular consequence: nonsense.
Genome position (GRCh38, 1-based): chr6:129,393,070, G deleted. VCF-style (leftmost placement, unchanged base first): chr6-129393069-AG-A. GRCh37 (hg19) VCF-style: chr6-129714214-AG-A.
Other names: c.5260del, p.Lys1753_Val1754insTer (NM_001079823.2); c.5260delG (NM_000426.3).
Identifiers: ClinVar variation 196993 (VCV000196993.52), dbSNP rs794727594, ClinGen allele CA275230.
Genomic context (GRCh38, chr6:129,393,069, plus strand): 5'-GCTCATTGTCTATTATTGGGCTGGGGGTGGTTACAGAGCTGCAGAAGCCCTTCTGAAAAA[AG>A]TGAAGAAGCTGTTTGGAGAGTCCCGGGGGGAAAATGAAGAAATGGAGAAGGATCTCCGGG-3'

ClinVar aggregate classification (germline): Pathogenic. Review status: criteria provided, multiple submitters, no conflicts (2 of 4 stars). 13 submissions from 13 submitters: Pathogenic (9). 4 of the submissions do not count toward it. Last evaluated 2026-01-21.

Conditions:
LAMA2-related disorder. Also called: LAMA2-related disorders; LAMA2-related condition.
Merosin deficient congenital muscular dystrophy (MDC1A). Also called: Congenital merosin-deficient muscular dystrophy 1A; Congenital Muscular Dystrophy Type 1A (MDC1A). Identifiers: Orphanet 258, MedGen C1263858, MONDO:0011925, OMIM 607855.
Muscular dystrophy, limb-girdle, autosomal recessive 23. Identifiers: Orphanet 565837, MedGen C4748327, MONDO:0029136, OMIM 618138.
LAMA2-related muscular dystrophy (LAMA2-RD). Also called: Laminin alpha 2-related dystrophy. Identifiers: MedGen C5679788, MONDO:0100228.

Allele frequency attached by ClinVar (database versions not stated): gnomAD exomes 0.00002 and 0.00003; TOPMed 0.00004; gnomAD 0.00006; ESP Exome Variant Server 0.00016.

Submissions (13):

Labcorp Genetics (formerly Invitae), Labcorp
Classification: Pathogenic for LAMA2-related muscular dystrophy. Last evaluated: 2026-01-21. Review status: criteria provided, single submitter. Criteria: Invitae Variant Classification Sherloc (09022015). Collection method: clinical testing. Allele origin: germline.
Comment: This sequence change creates a premature translational stop signal (p.Val1754*) in the LAMA2 gene. It is expected to result in an absent or disrupted protein product. Loss-of-function variants in LAMA2 are known to be pathogenic (PMID: 18700894, 32904964). This variant is present in population databases (rs794727594, gnomAD 0.003%). This premature translational stop signal has been observed in individual(s) with congenital muscular dystrophy (PMID: 25663498). ClinVar contains an entry for this variant (Variation ID: 196993). For these reasons, this variant has been classified as Pathogenic.

PreventionGenetics, part of Exact Sciences
Classification: Pathogenic for LAMA2-related condition. Last evaluated: 2025-12-18. Review status: criteria provided, single submitter. Criteria: ACMG Guidelines, 2015. Collection method: clinical testing. Allele origin: germline.
Comment: The LAMA2 c.5260delG variant is predicted to result in premature protein termination (p.Val1754*). This variant has been reported in the compound heterozygous state in an individual with LAMA2-related muscular dystrophy (Løkken et al. 2015. PubMed ID: 25663498). This variant is reported in 0.0031% of alleles in individuals of European (Non-Finnish) descent in gnomAD. Nonsense variants in LAMA2 are expected to be pathogenic. This variant is interpreted as pathogenic.

GeneDx
Classification: Pathogenic. Last evaluated: 2025-07-19. Review status: criteria provided, single submitter. Criteria: GeneDx Variant Classification Process June 2021. Collection method: clinical testing. Allele origin: germline. Affected: yes.
Comment: Nonsense variant predicted to result in protein truncation or nonsense mediated decay in a gene for which loss of function is a known mechanism of disease; Not observed at significant frequency in large population cohorts (gnomAD); This variant is associated with the following publications: (PMID: 31127727, 25663498, 37476021, 35710456)

Fulgent Genetics
Classification: Pathogenic for Merosin deficient congenital muscular dystrophy; Muscular dystrophy, limb-girdle, autosomal recessive 23. Last evaluated: 2024-06-05. Review status: criteria provided, single submitter. Criteria: ACMG Guidelines, 2015. Collection method: clinical testing. Allele origin: germline.

Baylor Genetics
Classification: Pathogenic for Merosin deficient congenital muscular dystrophy. Last evaluated: 2024-03-27. Review status: criteria provided, single submitter. Criteria: ACMG Guidelines, 2015. Collection method: clinical testing. Allele origin: unknown.

CeGaT Center for Human Genetics Tuebingen
Classification: Pathogenic. Last evaluated: 2024-03-01. Review status: criteria provided, single submitter. Criteria: CeGaT Center For Human Genetics Tuebingen Variant Classification Criteria Version 2. Collection method: clinical testing. Allele origin: germline. Affected: yes. Observed: 1 variant allele.
Comment: LAMA2: PVS1, PM2, PM3

Institute of Medical Genetics and Applied Genomics, University Hospital Tübingen
Classification: Pathogenic. Last evaluated: 2020-10-23. Review status: criteria provided, single submitter. Criteria: ACMG Guidelines, 2015. Collection method: clinical testing. Allele origin: germline. Inheritance: Unknown mechanism. Affected: yes.

Women's Health and Genetics/Laboratory Corporation of America, LabCorp
Classification: Pathogenic for Laminin alpha 2-related dystrophy. Last evaluated: 2019-11-15. Review status: criteria provided, single submitter. Criteria: LabCorp Variant Classification Summary - May 2015. Collection method: clinical testing. Allele origin: germline.
Comment: Variant summary: LAMA2 c.5260delG (p.Val1754X) results in a premature termination codon, predicted to cause a truncation of the encoded protein or absence of the protein due to nonsense mediated decay, which are commonly known mechanisms for disease. The variant allele was found at a frequency of 1.6e-05 in 249822 control chromosomes. c.5260delG has been reported in the literature in at-least one individual affected with Laminin alpha 2-related dystrophy (example, Lokken_2015). At least one publication reports experimental evidence evaluating an impact on protein function. The most pronounced variant effect results in a complete absence of Merosin protein staining by IHC and western blot analysis (Lokken_2015). Three clinical diagnostic laboratories have submitted clinical-significance assessments for this variant to ClinVar after 2014 without evidence for independent evaluation. All laboratories classified the variant as pathogenic (n=2)/likely pathogenic (n=1). Based on the evidence outlined above, the variant was classified as pathogenic.

Eurofins Ntd Llc (ga)
Classification: Pathogenic. Last evaluated: 2014-05-13. Review status: criteria provided, single submitter. Criteria: EGL Classification Definitions 2015. Collection method: clinical testing. Allele origin: germline. Observed: 3 variant alleles, 3 heterozygotes.

Counsyl
Classification: Likely pathogenic for Merosin deficient congenital muscular dystrophy. Last evaluated: 2017-06-14. Review status: no assertion criteria provided. Collection method: clinical testing. Allele origin: unknown. Not counted in ClinVar's aggregate classification.

Clinical Genetics DNA and cytogenetics Diagnostics Lab, Erasmus MC, Erasmus Medical Center
Classification: Pathogenic. Review status: no assertion criteria provided. Collection method: clinical testing. Allele origin: germline. Affected: yes. Study: VKGL Data-share Consensus. Not counted in ClinVar's aggregate classification.

Genome Diagnostics Laboratory, Amsterdam University Medical Center
Classification: Pathogenic. Review status: no assertion criteria provided. Collection method: clinical testing. Allele origin: germline. Affected: yes. Study: VKGL Data-share Consensus. Not counted in ClinVar's aggregate classification.

Joint Genome Diagnostic Labs from Nijmegen and Maastricht, Radboudumc and MUMC+
Classification: Pathogenic. Review status: no assertion criteria provided. Collection method: clinical testing. Allele origin: germline. Affected: yes. Study: VKGL Data-share Consensus. Not counted in ClinVar's aggregate classification.

Literature cited by the submitters: PubMed 18700894 (cited by Labcorp Genetics (formerly Invitae), Labcorp); PubMed 32904964 (cited by Labcorp Genetics (formerly Invitae), Labcorp); PubMed 25663498 (cited by 3 submitters).